The following is an entry in ClinVar:

NM_001364171.2(ODAD1):c.1439T>C (p.Val480Ala)

Gene: ODAD1 (outer dynein arm docking complex subunit 1; minus strand). Cytogenetic location: 19q13.33.
Variant type: single nucleotide variant.
Coding change: c.1439T>C on transcript NM_001364171.2 (MANE Select); coding-DNA position 1439, T replaced by C.
Protein change: p.Val480Ala; replaces valine 480 with alanine.
Molecular consequence: missense variant.
Genome position (GRCh38, 1-based): chr19:48,298,063, A>G on the plus strand (T>C on the coding strand, the complement: ODAD1 is on the minus strand). VCF-style: chr19-48298063-A-G. GRCh37 (hg19) VCF-style: chr19-48801320-A-G.
Other names: c.1328T>C, p.Val443Ala (NM_144577.4); short protein forms V443A, V480A.
Identifiers: ClinVar variation 3707437 (VCV003707437.2).

ClinVar aggregate classification (germline): Uncertain significance (1 of 4 stars; one submission).

Conditions:
Primary ciliary dyskinesia. Also called: Ciliary dyskinesia. Identifiers: Orphanet 244, MedGen C0008780, MONDO:0016575, HP:0012265.

gnomAD v4.1: 4 of 1,613,170 alleles (0.00025%); highest among the groups gnomAD compares: Non-Finnish European, 0.00034%; no homozygotes.

Submission:

Labcorp Genetics (formerly Invitae), Labcorp
Classification: Uncertain significance for Primary ciliary dyskinesia. Last evaluated: 2024-10-07. Review status: criteria provided, single submitter. Criteria: Invitae Variant Classification Sherloc (09022015). Collection method: clinical testing. Allele origin: germline.
Comment: This sequence change replaces valine, which is neutral and non-polar, with alanine, which is neutral and non-polar, at codon 443 of the CCDC114 protein (p.Val443Ala). This variant is not present in population databases (gnomAD no frequency). This variant has not been reported in the literature in individuals affected with CCDC114-related conditions. An algorithm developed to predict the effect of missense changes on protein structure and function outputs the following: PolyPhen-2: "Benign". The alanine amino acid residue is found in multiple mammalian species, which suggests that this missense change does not adversely affect protein function. In summary, the available evidence is currently insufficient to determine the role of this variant in disease. Therefore, it has been classified as a Variant of Uncertain Significance.